The following is an entry in ClinVar:

ClinVar aggregate classification (germline): Likely benign. Review status: criteria provided, multiple submitters, no conflicts (2 of 4 stars). 2 submissions from 2 submitters: Likely benign (2). Last evaluated 2026-02-01.

Allele frequency attached by ClinVar (database versions not stated): gnomAD exomes below 0.00001.
gnomAD v4.1: 2 of 1,614,036 alleles (0.00012%); highest among the groups gnomAD compares: Non-Finnish European, 0.00017%; no homozygotes.

Submissions (2):

CeGaT Center for Human Genetics Tuebingen
Classification: Likely benign. Last evaluated: 2026-02-01. Review status: criteria provided, single submitter. Criteria: CeGaT Center For Human Genetics Tuebingen Variant Classification Criteria Version 2. Collection method: clinical testing. Allele origin: germline. Affected: yes. Observed: 1 variant allele.
Comment: UBA5: BP4, BP7

Labcorp Genetics (formerly Invitae), Labcorp
Classification: Likely benign. Last evaluated: 2023-01-16. Review status: criteria provided, single submitter. Criteria: Invitae Variant Classification Sherloc (09022015). Collection method: clinical testing. Allele origin: germline.

NM_024818.6(UBA5):c.765T>C (p.Pro255=)

Genes: NPHP3-ACAD11 (NPHP3-ACAD11 readthrough (NMD candidate); minus strand), UBA5 (ubiquitin like modifier activating enzyme 5; plus strand). Cytogenetic location: 3q22.1.
Variant type: single nucleotide variant.
Coding change: c.765T>C on transcript NM_024818.6 (MANE Select); coding-DNA position 765, T replaced by C.
Protein change: p.Pro255=; no amino-acid change (proline 255 retained).
Molecular consequence: synonymous variant.
Genome position (GRCh38, 1-based): chr3:132,672,130, T>C. VCF-style: chr3-132672130-T-C. GRCh37 (hg19) VCF-style: chr3-132390974-T-C.
Other names: c.597T>C, p.Pro199= (NM_001320210.2, NM_198329.4); c.495T>C, p.Pro165= (NM_001321238.2); c.429T>C, p.Pro143= (NM_001321239.1).
Identifiers: ClinVar variation 1560687 (VCV001560687.12), dbSNP rs2107943731, ClinGen allele CA435799578.